The following is an entry in ClinVar:

ClinVar aggregate classification (germline): Benign. Review status: criteria provided, multiple submitters, no conflicts (2 of 4 stars). 2 submissions from 2 submitters: Benign (2). Last evaluated 2018-06-14.

Allele frequency attached by ClinVar (database versions not stated): 1000 Genomes Project 30x 0.66412; 1000 Genomes Project 0.66494; gnomAD 0.71639; TOPMed 0.72266.
gnomAD v4.1: 1,216,331 of 1,564,060 alleles (78%); highest among the groups gnomAD compares: Admixed American, 83%; 476,705 homozygotes.

Submissions (2):

GeneDx
Classification: Benign. Last evaluated: 2018-06-14. Review status: criteria provided, single submitter. Criteria: GeneDx Variant Classification (06012015). Collection method: clinical testing. Allele origin: germline. Affected: yes.
Comment: This variant is considered likely benign or benign based on one or more of the following criteria: it is a conservative change, it occurs at a poorly conserved position in the protein, it is predicted to be benign by multiple in silico algorithms, and/or has population frequency not consistent with disease.

Breakthrough Genomics
Classification: Benign. Review status: criteria provided, single submitter. Criteria: ACMG Guidelines, 2015. Collection method: not provided. Allele origin: germline. Inheritance: Autosomal recessive inheritance. Affected: yes.

NM_014141.6(CNTNAP2):c.3476-94T>G

Gene: CNTNAP2 (contactin associated protein 2; plus strand). Cytogenetic location: 7q36.1.
Variant type: single nucleotide variant.
Coding change: c.3476-94T>G on transcript NM_014141.6 (MANE Select); 94 bases into the intron before coding-DNA position 3476, T replaced by G.
Molecular consequence: intron variant.
Genome position (GRCh38, 1-based): chr7:148,383,555, T>G. VCF-style: chr7-148383555-T-G. GRCh37 (hg19) VCF-style: chr7-148080647-T-G.
Identifiers: ClinVar variation 670650 (VCV000670650.2), dbSNP rs1637841, ClinGen allele CA12550475.
Genomic context (GRCh38, chr7:148,383,555, plus strand): 5'-TCTTATCGACCCATTAATATTTCATCCAAAACAATGTAACATCTTAAACTGAAACCTAAA[T>G]GTAAGCTTTGGACACAAGCATTCAAAGACAGGTATGTTGTACAGCTGGACTATGGTGAGT-3'